The following is an entry in ClinVar:

ClinVar aggregate classification (germline): Uncertain significance (1 of 4 stars; one submission).

Conditions:
Cardiomyopathy (CMYO). Also called: Cardiomyopathies. Identifiers: Orphanet 167848, MedGen C0878544, MONDO:0004994, HP:0001638. Inheritance: Various modes of inheritance.

Submission:

Color Diagnostics, LLC DBA Color Health
Classification: Uncertain significance for Cardiomyopathy. Last evaluated: 2025-08-24. Review status: criteria provided, single submitter. Criteria: ACMG Guidelines, 2015. Collection method: clinical testing. Allele origin: germline.
Comment: This missense variant replaces valine with alanine at codon 271 of the DSG2 protein. Computational prediction suggests that this variant may not impact protein structure and function. To our knowledge, functional studies have not been reported for this variant. This variant has not been reported in individuals affected with DSG2-related disorders in the literature. This variant has not been identified in the general population by the Genome Aggregation Database (gnomAD). The available evidence is insufficient to determine the role of this variant in disease conclusively. Therefore, this variant is classified as a Variant of Uncertain Significance.

NM_001943.5(DSG2):c.812T>C (p.Val271Ala)

Gene: DSG2 (desmoglein 2; plus strand). Cytogenetic location: 18q12.1.
Variant type: single nucleotide variant.
Coding change: c.812T>C on transcript NM_001943.5 (MANE Select); coding-DNA position 812, T replaced by C.
Protein change: p.Val271Ala; replaces valine 271 with alanine.
Molecular consequence: missense variant.
Genome position (GRCh38, 1-based): chr18:31,524,569, T>C. VCF-style: chr18-31524569-T-C. GRCh37 (hg19) VCF-style: chr18-29104532-T-C.
Other names: short protein forms V271A.
Identifiers: ClinVar variation 4757874 (VCV004757874.1).